The following is an entry in ClinVar:

NM_207361.6(FREM2):c.8409C>T (p.Ala2803=)

Gene: FREM2 (FRAS1 related extracellular matrix 2; plus strand). Cytogenetic location: 13q13.3.
Variant type: single nucleotide variant.
Coding change: c.8409C>T on transcript NM_207361.6 (MANE Select); coding-DNA position 8409, C replaced by T.
Protein change: p.Ala2803=; no amino-acid change (alanine 2803 retained).
Molecular consequence: synonymous variant.
Genome position (GRCh38, 1-based): chr13:38,876,149, C>T. VCF-style: chr13-38876149-C-T. GRCh37 (hg19) VCF-style: chr13-39450286-C-T.
Identifiers: ClinVar variation 3681146 (VCV003681146.2).

ClinVar aggregate classification (germline): Uncertain significance (1 of 4 stars; one submission).

gnomAD v4.1: 5 of 1,613,926 alleles (0.00031%); highest among the groups gnomAD compares: Admixed American, 0.0017%; no homozygotes.

Submission:

Labcorp Genetics (formerly Invitae), Labcorp
Classification: Uncertain significance. Last evaluated: 2025-06-12. Review status: criteria provided, single submitter. Criteria: Invitae Variant Classification Sherloc (09022015). Collection method: clinical testing. Allele origin: germline.
Comment: This sequence change affects codon 2803 of the FREM2 mRNA. It is a 'silent' change, meaning that it does not change the encoded amino acid sequence of the FREM2 protein. It affects a nucleotide within the consensus splice site. This variant is present in population databases (no rsID available, gnomAD 0.0009%). This variant has not been reported in the literature in individuals affected with FREM2-related conditions. ClinVar contains an entry for this variant (Variation ID: 3681146). Algorithms developed to predict the effect of sequence changes on RNA splicing suggest that this variant is not likely to affect RNA splicing. In summary, the available evidence is currently insufficient to determine the role of this variant in disease. Therefore, it has been classified as a Variant of Uncertain Significance.